The following is an entry in ClinVar:

ClinVar aggregate classification (germline): Uncertain significance (1 of 4 stars; one submission).

Conditions:
Cardiovascular phenotype. Identifiers: MedGen CN230736.

gnomAD v4.1: 1 of 1,559,240 alleles (0.000064%); highest among the groups gnomAD compares: Non-Finnish European, 0.000087%; no homozygotes.

Submission:

Ambry Genetics
Classification: Uncertain significance for Cardiovascular phenotype. Last evaluated: 2024-11-13. Review status: criteria provided, single submitter. Criteria: Ambry Variant Classification Scheme 2023. Collection method: clinical testing. Allele origin: germline.
Comment: The p.P1429S variant (also known as c.4285C>T), located in coding exon 6 of the ALPK3 gene, results from a C to T substitution at nucleotide position 4285. The proline at codon 1429 is replaced by serine, an amino acid with similar properties. This amino acid position is conserved. In addition, the in silico prediction for this alteration is inconclusive. Based on the available evidence, the clinical significance of this variant remains unclear.

NM_020778.5(ALPK3):c.3679C>T (p.Pro1227Ser)

Gene: ALPK3 (alpha kinase 3; plus strand). Cytogenetic location: 15q25.3.
Variant type: single nucleotide variant.
Coding change: c.3679C>T on transcript NM_020778.5 (MANE Select); coding-DNA position 3679, C replaced by T.
Protein change: p.Pro1227Ser; replaces proline 1227 with serine.
Molecular consequence: missense variant.
Genome position (GRCh38, 1-based): chr15:84,858,417, C>T. VCF-style: chr15-84858417-C-T. GRCh37 (hg19) VCF-style: chr15-85401648-C-T.
Other names: short protein forms P1227S.
Identifiers: ClinVar variation 3533485 (VCV003533485.1).